The following is an entry in ClinVar:

ClinVar aggregate classification (germline): Uncertain significance (1 of 4 stars; one submission).

Allele frequency attached by ClinVar (database versions not stated): gnomAD exomes below 0.00001.

Submission:

Ambry Genetics
Classification: Uncertain significance. Last evaluated: 2022-01-31. Review status: criteria provided, single submitter. Criteria: Ambry Variant Classification Scheme 2023. Collection method: clinical testing. Allele origin: germline.
Comment: The p.V336A variant (also known as c.1007T>C), located in coding exon 3 of the EGLN2 gene, results from a T to C substitution at nucleotide position 1007. The valine at codon 336 is replaced by alanine, an amino acid with similar properties. This amino acid position is conserved. In addition, this alteration is predicted to be tolerated by in silico analysis. Since supporting evidence is limited at this time, the clinical significance of this alteration remains unclear.

NM_080732.4(EGLN2):c.1007T>C (p.Val336Ala)

Genes: EGLN2 (egl-9 family hypoxia inducible factor 2; plus strand), RAB4B-EGLN2 (RAB4B-EGLN2 readthrough (NMD candidate); plus strand). Cytogenetic location: 19q13.2.
Variant type: single nucleotide variant.
Coding change: c.1007T>C on transcript NM_080732.4 (MANE Select); coding-DNA position 1007, T replaced by C.
Protein change: p.Val336Ala; replaces valine 336 with alanine.
Molecular consequence: missense variant. On other transcripts: non-coding transcript variant (1).
Genome position (GRCh38, 1-based): chr19:40,807,181, T>C. VCF-style: chr19-40807181-T-C. GRCh37 (hg19) VCF-style: chr19-41313086-T-C.
Other names: c.1007T>C, p.Val336Ala (NM_053046.4); short protein forms V336A.
Identifiers: ClinVar variation 1788257 (VCV001788257.2), dbSNP rs2516008685, ClinGen allele CA405956475.